The following is an entry in ClinVar:

ClinVar aggregate classification (germline): Uncertain significance. Review status: criteria provided, single submitter (1 of 4 stars). 2 submissions from 2 submitters: Uncertain significance (1). 1 of the submissions does not count toward it. Last evaluated 2026-01-22.

Conditions:
TCF3-related disorder. Also called: TCF3-related condition.

Allele frequency attached by ClinVar (database versions not stated): gnomAD exomes 0.00001 and 0.00005; TOPMed 0.00001; ExAC 0.00002; gnomAD 0.00003; ESP Exome Variant Server 0.00008.
gnomAD v4.1: 77 of 1,612,128 alleles (0.0048%); highest among the groups gnomAD compares: Non-Finnish European, 0.0054%; no homozygotes.

Submissions (2):

Labcorp Genetics (formerly Invitae), Labcorp
Classification: Uncertain significance. Last evaluated: 2026-01-22. Review status: criteria provided, single submitter. Criteria: Invitae Variant Classification Sherloc (09022015). Collection method: clinical testing. Allele origin: germline.
Comment: This sequence change falls in intron 5 of the TCF3 gene. It does not directly change the encoded amino acid sequence of the TCF3 protein. It affects a nucleotide within the consensus splice site. This variant is present in population databases (rs370129424, gnomAD 0.004%). This variant has not been reported in the literature in individuals affected with TCF3-related conditions. ClinVar contains an entry for this variant (Variation ID: 1519586). Variants that disrupt the consensus splice site are a relatively common cause of aberrant splicing (PMID: 17576681, 9536098). Algorithms developed to predict the effect of sequence changes on RNA splicing suggest that this variant is not likely to affect RNA splicing. In summary, the available evidence is currently insufficient to determine the role of this variant in disease. Therefore, it has been classified as a Variant of Uncertain Significance.

PreventionGenetics, part of Exact Sciences
Classification: Likely benign for TCF3-related condition. Last evaluated: 2019-06-06. Review status: no assertion criteria provided. Collection method: clinical testing. Allele origin: germline. Not counted in ClinVar's aggregate classification.
Comment: This variant is classified as likely benign based on ACMG/AMP sequence variant interpretation guidelines (Richards et al. 2015 PMID: 25741868, with internal and published modifications).

Literature cited by the submitters: PubMed 17576681 (cited by Labcorp Genetics (formerly Invitae), Labcorp); PubMed 9536098 (cited by Labcorp Genetics (formerly Invitae), Labcorp).

NM_003200.5(TCF3):c.298+6T>C

Gene: TCF3 (transcription factor 3; minus strand). Cytogenetic location: 19p13.3.
Variant type: single nucleotide variant.
Coding change: c.298+6T>C on transcript NM_003200.5 (MANE Select); 6 bases into the intron after coding-DNA position 298, T replaced by C.
Molecular consequence: intron variant.
Genome position (GRCh38, 1-based): chr19:1,632,032, A>G on the plus strand (T>C on the coding strand, the complement: TCF3 is on the minus strand). VCF-style: chr19-1632032-A-G. GRCh37 (hg19) VCF-style: chr19-1632031-A-G.
Other names: c.298+6T>C (NM_001351778.2, NM_001136139.4, NM_001351779.2 and 1 more transcripts).
Identifiers: ClinVar variation 1519586 (VCV001519586.8), dbSNP rs370129424, ClinGen allele CA9050506.